The following is an entry in ClinVar:

NM_002471.4(MYH6):c.3206T>C (p.Met1069Thr)

Gene: MYH6 (myosin heavy chain 6; minus strand). Cytogenetic location: 14q11.2.
Variant type: single nucleotide variant.
Coding change: c.3206T>C on transcript NM_002471.4 (MANE Select); coding-DNA position 3206, T replaced by C.
Protein change: p.Met1069Thr; replaces methionine 1069 with threonine.
Molecular consequence: missense variant.
Genome position (GRCh38, 1-based): chr14:23,392,957, A>G on the plus strand (T>C on the coding strand, the complement: MYH6 is on the minus strand). VCF-style: chr14-23392957-A-G. GRCh37 (hg19) VCF-style: chr14-23862166-A-G.
Other names: short protein forms M1069T.
Identifiers: ClinVar variation 1728868 (VCV001728868.2), dbSNP rs2138597373, ClinGen allele CA389009125.

ClinVar aggregate classification (germline): Uncertain significance (1 of 4 stars; one submission).

Conditions:
Cardiovascular phenotype. Identifiers: MedGen CN230736.

Allele frequency attached by ClinVar (database versions not stated): gnomAD exomes 0.00001.

Submission:

Ambry Genetics
Classification: Uncertain significance for Cardiovascular phenotype. Last evaluated: 2021-08-10. Review status: criteria provided, single submitter. Criteria: Ambry Variant Classification Scheme 2023. Collection method: clinical testing. Allele origin: germline.
Comment: The p.M1069T variant (also known as c.3206T>C), located in coding exon 22 of the MYH6 gene, results from a T to C substitution at nucleotide position 3206. The methionine at codon 1069 is replaced by threonine, an amino acid with similar properties. This amino acid position is conserved. In addition, this alteration is predicted to be deleterious by in silico analysis. Since supporting evidence is limited at this time, the clinical significance of this alteration remains unclear.